The following is an entry in ClinVar:

ClinVar aggregate classification (germline): Benign/Likely benign. Review status: criteria provided, multiple submitters, no conflicts (2 of 4 stars). 10 submissions from 10 submitters: Benign (6); Likely benign (3). 1 of the submissions does not count toward it. Last evaluated 2025-05-02.

Conditions:
Autosomal dominant polycystic kidney disease. Identifiers: Orphanet 730, MedGen C0085413, MONDO:0004691.
Polycystic kidney disease, adult type (PKD1). Also called: Polycystic Kidney, Autosomal Dominant; Polycystic Kidney Disease 1, Autosomal Dominant; Polycystic kidney disease 1; Polycystic kidney disease 1, severe; POLYCYSTIC KIDNEY DISEASE 1 WITH OR WITHOUT POLYCYSTIC LIVER DISEASE; POLYCYSTIC KIDNEY DISEASE, ADULT, TYPE I. Identifiers: MedGen C3149841, MONDO:0008263, OMIM 173900.
Polycystic kidney disease. Also called: Polycystic kidney dysplasia; Kidney, Polycystic. Identifiers: MedGen C0022680, MeSH D007690, MONDO:0020642, HP:0000113.

Allele frequency attached by ClinVar (database versions not stated): ESP Exome Variant Server 0.00524; gnomAD 0.00702 and 0.01056; TOPMed 0.00803; gnomAD exomes 0.02094; ExAC 0.02867; 1000 Genomes Project 30x 0.03716; 1000 Genomes Project 0.03834.
gnomAD v4.1: 21,199 of 1,605,754 alleles (1.3%); highest among the groups gnomAD compares: South Asian, 9.5%; 645 homozygotes.

Submissions (10):

Women's Health and Genetics/Laboratory Corporation of America, LabCorp
Classification: Likely benign. Last evaluated: 2025-05-02. Review status: criteria provided, single submitter. Criteria: LabCorp Variant Classification Summary - May 2015. Collection method: clinical testing. Allele origin: germline.

Blueprint Genetics
Classification: Benign. Last evaluated: 2024-11-27. Review status: criteria provided, single submitter. Criteria: ACMG Guidelines, 2015. Collection method: clinical testing. Allele origin: germline.

Mayo Clinic Laboratories, Mayo Clinic
Classification: Benign. Last evaluated: 2022-11-22. Review status: criteria provided, single submitter. Criteria: ACMG Guidelines, 2015. Collection method: clinical testing. Allele origin: germline. Observed: 7 variant alleles.
Comment: BA1, BP4

ARUP Laboratories, Molecular Genetics and Genomics, ARUP Laboratories
Classification: Benign for Polycystic kidney disease, adult type. Last evaluated: 2020-02-03. Review status: criteria provided, single submitter. Criteria: ARUP Molecular Germline Variant Investigation Process. Collection method: clinical testing. Allele origin: germline.

GeneDx
Classification: Benign. Last evaluated: 2019-09-25. Review status: criteria provided, single submitter. Criteria: GeneDx Variant Classification Process June 2021. Collection method: clinical testing. Allele origin: germline. Affected: yes.
Comment: This variant is associated with the following publications: (PMID: 32823016, 11558899, 11691639, 12007219, 18640754, 19686598, 28578020, 27499327, 26632257, 26722532, 18067079, 20981092, 22185115)

Molecular Genetics of Inherited Kidney Disorders Laboratory, Garvan Institute of Medical Research
Classification: Likely benign for Autosomal dominant polycystic kidney disease. Last evaluated: 2019-01-01. Review status: criteria provided, single submitter. Criteria: ACMG Guidelines, 2015. Collection method: research. Allele origin: germline. Affected: yes.

SIB Swiss Institute of Bioinformatics
Classification: Benign for Polycystic kidney disease, adult type. Last evaluated: 2018-05-31. Review status: criteria provided, single submitter. Criteria: ACMG Guidelines, 2015. Collection method: curation. Allele origin: unknown.
Comment: This variant is interpreted as a Benign - Stand Alone, for Polycystic kidney disease 1, in Autosomal Dominant manner. The following ACMG Tag(s) were applied: BA1 => Allele frequency is >5% in Exome Sequencing Project, 1000 Genomes Project, or Exome Aggregation Consortium.

Breakthrough Genomics
Classification: Likely benign. Review status: criteria provided, single submitter. Criteria: ACMG Guidelines, 2015. Collection method: not provided. Allele origin: germline. Inheritance: Autosomal dominant inheritance. Affected: yes.

PreventionGenetics, part of Exact Sciences
Classification: Benign. Review status: criteria provided, single submitter. Criteria: ACMG Guidelines, 2015. Collection method: clinical testing. Allele origin: germline.

Department of Pathology and Laboratory Medicine, Sinai Health System
Classification: Benign for Polycystic Kidney disease. Review status: no assertion criteria provided. Collection method: clinical testing. Allele origin: unknown. Affected: yes. Study: The Canadian Open Genetics Repository (COGR). Not counted in ClinVar's aggregate classification.
Comment: The PKD1 p.Thr3510Met variant was identified in 25 of 1248 proband chromosomes (frequency: 0.020) from Japanese, Chinese and Czech individuals or families with ADPKD, and was identified in 6 of 200 control chromosomes from healthy individuals (Mizoguchi 2001, Inoue 2002, Reed 2008, Rossetti 2001, Tsuchiya 2001, Yu 2011, Stekrova 2009). The variant was identified with a co-occurring pathogenic PKD1 variant (Q2142X), increasing the likelihood that the p.Thr3510Met variant does not have clinical significance (Yu 2011). The variant was also identified in dbSNP (ID: rs45478794) â€šÃ„ÃºWith NA alleleâ€šÃ„Ã¹, ADPKD Mutation Database (classification likely neutral), 1000 Genomes Project in 192 of 5013 chromosomes (frequency: 0.0383); HAP-MAP populations: SAS in 120 of 978 chromosomes (frequency: 0.1227)/EAS in 63 of 1008 chromosomes (frequency: 0.0625)/EUR in 8 of 1006 chromosomes (frequency: 0.008), in the NHLBI GO Exome Sequencing Project (ESP) in 56 of 8588 (frequency: 0.0065) European American and in 12 OF 4388 (frequency: 0.0027)African American alleles, and in all populations in the Exome Aggregation Consortium (ExAC) database (released Jan 13, 2015): South Asian in 1466 (87 homozygous) of 130000 chromosomes (frequency: 0.1128), East Asian in 432 (11 homozygous) of 6452 chromosomes (frequency: 0.0067), Other in 15 of 600 chromosomes (frequency: 0.025), European (Non-Finnish) in 388 (2 homozygous) of 45098 chromosomes (frequency: 0.0086), European (Finnish) in 26 of 3626 chromosomes (frequency: 0.0071), Latino in 43 of 7878 chromosomes (frequency: 0.0054) and African in 18 (1 homozygous) of 6646 chromosomes (frequency: 0.0027), increasing the likelihood this could be a low frequency benign variant.The p.Thr3510Met residue is not conserved in mammals and computational analyses (PolyPhen-2, SIFT, AlignGVGD, BLOSUM, MutationTaster) provide inconsistent predictions regarding the impact to the protein; this information is not very predictive of pathogenicity. The variant occurs outside of the splicing consensus sequence and in silico or computational prediction software programs (SpliceSiteFinder, MaxEntScan, NNSPLICE, GeneSplicer, HumanSpliceFinder) do not predict a difference in splicing. In summary, based on the above information, this variant meets our laboratory criteria to be classified as benign.

NM_001009944.3(PKD1):c.10529C>T (p.Thr3510Met)

Genes: PKD1 (polycystin 1, transient receptor potential channel interacting; minus strand), PKD1-AS1 (PKD1 antisense RNA 1; plus strand). Cytogenetic location: 16p13.3.
Variant type: single nucleotide variant.
Coding change: c.10529C>T on transcript NM_001009944.3 (MANE Select); coding-DNA position 10529, C replaced by T.
Protein change: p.Thr3510Met; replaces threonine 3510 with methionine.
Molecular consequence: missense variant.
Genome position (GRCh38, 1-based): chr16:2,094,181, G>A on the plus strand (C>T on the coding strand, the complement: PKD1 is on the minus strand). VCF-style: chr16-2094181-G-A. GRCh37 (hg19) VCF-style: chr16-2144182-G-A.
Other names: NM_000296.3(PKD1):c.10526C>T(p.Thr3509Met); NM_001009944.2(PKD1):c.10529C>T(p.Thr3510Met); c.10526C>T, p.Thr3509Met (NM_000296.4); short protein forms T3510M, T3509M.
Identifiers: ClinVar variation 256891 (VCV000256891.20), dbSNP rs45478794, ClinGen allele CA7829531.